The following is an entry in ClinVar:

ClinVar aggregate classification (germline): Uncertain significance (1 of 4 stars; one submission).

Conditions:
Osteogenesis imperfecta type I (OI1). Also called: Lobstein disease; OI, TYPE I; OSTEOGENESIS IMPERFECTA TARDA; OSTEOGENESIS IMPERFECTA WITH BLUE SCLERAE; Osteogenesis imperfecta type 1; Lobstein's Disease. Identifiers: Orphanet 216796, Orphanet 666, MedGen C0023931, MONDO:0008146, OMIM 166200. Disease mechanism: loss of function.
Ehlers-Danlos syndrome, classic type, 1 (EDSCL1). Also called: EDS I; EHLERS-DANLOS SYNDROME, GRAVIS TYPE; EHLERS-DANLOS SYNDROME, SEVERE CLASSIC TYPE; Ehlers-Danlos syndrome, type 1; Ehlers-Danlos Syndrome, Classic Type, COL5A1-Related. Identifiers: MedGen C0268335, MONDO:0019567, OMIM 130000.

Submission:

Labcorp Genetics (formerly Invitae), Labcorp
Classification: Uncertain significance for Osteogenesis imperfecta type I; Ehlers-Danlos syndrome, classic type, 1. Last evaluated: 2023-12-26. Review status: criteria provided, single submitter. Criteria: Invitae Variant Classification Sherloc (09022015). Collection method: clinical testing. Allele origin: germline.
Comment: This variant, c.2599_2601del, results in the deletion of 1 amino acid(s) of the COL1A2 protein (p.Leu867del), but otherwise preserves the integrity of the reading frame. This variant is not present in population databases (gnomAD no frequency). This variant has been observed in individual(s) with clinical features of osteogenesis imperfecta (PMID: 22753364; Invitae). Experimental studies and prediction algorithms are not available or were not evaluated, and the functional significance of this variant is currently unknown. In summary, the available evidence is currently insufficient to determine the role of this variant in disease. Therefore, it has been classified as a Variant of Uncertain Significance.

Literature cited by the submitters: PubMed 22753364.

NM_000089.4(COL1A2):c.2596CTT[1] (p.Leu867del)

Gene: COL1A2 (collagen type I alpha 2 chain; plus strand). Cytogenetic location: 7q21.3.
Variant type: Microsatellite.
Coding change: c.2596CTT[1] on transcript NM_000089.4 (MANE Select); one copy of the 3-base unit CTT starting at c.2596; the reference has two copies in a row; one copy, 3 bases deleted.
Protein change: p.Leu867del; deletes leucine 867.
Molecular consequence: inframe deletion.
Genome position (GRCh38, 1-based): chr7:94,424,369-94,424,371, CTT deleted; deleting any 3 consecutive bases within chr7:94,424,365-94,424,371 gives the same sequence; the position shown is the placement nearest the transcript's 3' end. VCF-style (leftmost placement, unchanged base first): chr7-94424364-GTCT-G. GRCh37 (hg19) VCF-style: chr7-94053676-GTCT-G.
Other names: short protein forms L867del.
Identifiers: ClinVar variation 2925414 (VCV002925414.3), dbSNP rs2484731936, ClinGen allele CA2695208044.